The following is an entry in ClinVar:

NM_032043.3(BRIP1):c.799G>A (p.Ala267Thr)

Gene: BRIP1 (BRCA1 interacting DNA helicase 1; minus strand). Cytogenetic location: 17q23.2.
Variant type: single nucleotide variant.
Coding change: c.799G>A on transcript NM_032043.3 (MANE Select); coding-DNA position 799, G replaced by A.
Protein change: p.Ala267Thr; replaces alanine 267 with threonine.
Molecular consequence: missense variant.
Genome position (GRCh38, 1-based): chr17:61,808,586, C>T on the plus strand (G>A on the coding strand, the complement: BRIP1 is on the minus strand). VCF-style: chr17-61808586-C-T. GRCh37 (hg19) VCF-style: chr17-59885947-C-T.
Other names: short protein forms A267T.
Identifiers: ClinVar variation 241662 (VCV000241662.21), dbSNP rs865910081, ClinGen allele CA10583639.

ClinVar aggregate classification (germline): Uncertain significance. Review status: criteria provided, multiple submitters, no conflicts (2 of 4 stars). 3 submissions from 3 submitters: Uncertain significance (3). Last evaluated 2025-11-17.

Conditions:
Hereditary cancer-predisposing syndrome. Also called: Neoplastic Syndromes, Hereditary; Tumor predisposition; Hereditary neoplastic syndrome; Hereditary Cancer Syndrome. Identifiers: Orphanet 140162, MedGen C0027672, MeSH D009386, MONDO:0015356.
Familial cancer of breast. Also called: BREAST CANCER, FAMILIAL; Hereditary breast cancer; hereditary breast carcinoma. Identifiers: Orphanet 227535, MedGen C0346153, MONDO:0016419, OMIM 114480. Disease mechanism: loss of function.
Fanconi anemia complementation group J. Also called: BRIP1-Related Fanconi Anemia. Identifiers: Orphanet 84, MedGen C1836860, MONDO:0012187, OMIM 609054.

Allele frequency attached by ClinVar (database versions not stated): gnomAD 0.00001; TOPMed 0.00001.

Submissions (3):

Labcorp Genetics (formerly Invitae), Labcorp
Classification: Uncertain significance for Familial cancer of breast; Fanconi anemia complementation group J. Last evaluated: 2025-11-17. Review status: criteria provided, single submitter. Criteria: Invitae Variant Classification Sherloc (09022015). Collection method: clinical testing. Allele origin: germline.
Comment: This sequence change replaces alanine, which is neutral and non-polar, with threonine, which is neutral and polar, at codon 267 of the BRIP1 protein (p.Ala267Thr). This variant is not present in population databases (gnomAD no frequency). This variant has not been reported in the literature in individuals affected with BRIP1-related conditions. ClinVar contains an entry for this variant (Variation ID: 241662). Invitae Evidence Modeling of protein sequence and biophysical properties (such as structural, functional, and spatial information, amino acid conservation, physicochemical variation, residue mobility, and thermodynamic stability) indicates that this missense variant is not expected to disrupt BRIP1 protein function with a negative predictive value of 95%. In summary, the available evidence is currently insufficient to determine the role of this variant in disease. Therefore, it has been classified as a Variant of Uncertain Significance.

Ambry Genetics
Classification: Uncertain significance for Hereditary cancer-predisposing syndrome. Last evaluated: 2024-08-27. Review status: criteria provided, single submitter. Criteria: Ambry Variant Classification Scheme 2023. Collection method: clinical testing. Allele origin: germline.
Comment: The p.A267T variant (also known as c.799G>A), located in coding exon 6 of the BRIP1 gene, results from a G to A substitution at nucleotide position 799. The alanine at codon 267 is replaced by threonine, an amino acid with similar properties. This amino acid position is well conserved in available vertebrate species. In addition, this alteration is predicted to be tolerated by in silico analysis. Since supporting evidence is limited at this time, the clinical significance of this alteration remains unclear.

Color Diagnostics, LLC DBA Color Health
Classification: Uncertain significance for Hereditary cancer-predisposing syndrome. Last evaluated: 2019-04-04. Review status: criteria provided, single submitter. Criteria: ACMG Guidelines, 2015. Collection method: clinical testing. Allele origin: germline.